The following is an entry in ClinVar:

ClinVar aggregate classification (germline): Benign (1 of 4 stars; one submission).

Conditions:
Pseudohypoaldosteronism type 2D (PHA2D). Also called: FAMILIAL HYPERKALEMIC HYPERTENSION; PSEUDOHYPOALDOSTERONISM, TYPE IID, AUTOSOMAL DOMINANT OR RECESSIVE; Pseudohypoaldosteronism Type IID. Identifiers: Orphanet 300525, Orphanet 757, MedGen C3469605, MONDO:0013781, OMIM 614495.

Allele frequency attached by ClinVar (database versions not stated): 1000 Genomes Project 0.00040; 1000 Genomes Project 30x 0.00062; gnomAD 0.00072 and 0.00076; TOPMed 0.00076.
gnomAD v4.1: 1,185 of 1,179,898 alleles (0.1%); highest among the groups gnomAD compares: Non-Finnish European, 0.14%; 1 homozygote.

Submission:

Illumina Laboratory Services, Illumina
Classification: Benign for Pseudohypoaldosteronism type 2D. Last evaluated: 2018-01-13. Review status: criteria provided, single submitter. Criteria: ICSL Variant Classification Criteria 13 December 2019. Collection method: clinical testing. Allele origin: germline.
Comment: This variant was observed in the ICSL laboratory as part of a predisposition screen in an ostensibly healthy population. It had not been previously curated by ICSL or reported in the Human Gene Mutation Database (HGMD: prior to June 1st, 2018), and was therefore a candidate for classification through an automated scoring system. Utilizing variant allele frequency, disease prevalence and penetrance estimates, and inheritance mode, an automated score was calculated to assess if this variant is too frequent to cause the disease. Based on the score and internal cut-off values, a variant classified as benign is not then subjected to further curation. The score for this variant resulted in a classification of benign for this disease.

NM_017415.3(KLHL3):c.*108G>A

Gene: KLHL3 (kelch like family member 3; minus strand). Cytogenetic location: 5q31.2.
Variant type: single nucleotide variant.
Coding change: c.*108G>A on transcript NM_017415.3 (MANE Select); 108 bases downstream of the stop codon, G replaced by A.
Molecular consequence: 3 prime UTR variant.
Genome position (GRCh38, 1-based): chr5:137,621,990, C>T on the plus strand (G>A on the coding strand, the complement: KLHL3 is on the minus strand). VCF-style: chr5-137621990-C-T. GRCh37 (hg19) VCF-style: chr5-136957679-C-T.
Other names: c.*108G>A (NM_001257194.1, NM_001257195.2).
Identifiers: ClinVar variation 350982 (VCV000350982.6), dbSNP rs147305829, ClinGen allele CA10622806.